The following is an entry in ClinVar:

ClinVar aggregate classification (germline): Pathogenic/Likely pathogenic. Review status: criteria provided, multiple submitters, no conflicts (2 of 4 stars). 2 submissions from 2 submitters: Pathogenic (1); Likely pathogenic (1). Last evaluated 2025-05-19.

Conditions:
MYBPC3-related disorder. Also called: MYBPC3-related condition; MYBPC3-related disease; MYBPC3-related disorders.
Hypertrophic cardiomyopathy. Also called: HYPERTROPHIC MYOCARDIOPATHY. Identifiers: Orphanet 217569, MedGen C0007194, MeSH D002312, MONDO:0005045, HP:0001639.

Submissions (2):

Labcorp Genetics (formerly Invitae), Labcorp
Classification: Pathogenic for Hypertrophic cardiomyopathy. Last evaluated: 2025-05-19. Review status: criteria provided, single submitter. Criteria: Invitae Variant Classification Sherloc (09022015). Collection method: clinical testing. Allele origin: germline.
Comment: This sequence change creates a premature translational stop signal (p.Gly204Valfs*94) in the MYBPC3 gene. It is expected to result in an absent or disrupted protein product. Loss-of-function variants in MYBPC3 are known to be pathogenic (PMID: 19574547). Information on the frequency of this variant in the gnomAD database is not available, as this variant may be reported differently in the database. This premature translational stop signal has been observed in individual(s) with hypertrophic cardiomyopathy (PMID: 27532257). For these reasons, this variant has been classified as Pathogenic.

Blueprint Genetics
Classification: Likely pathogenic for MYBPC3-related disorders. Last evaluated: 2019-11-01. Review status: criteria provided, single submitter. Criteria: ACMG Guidelines, 2015. Collection method: clinical testing. Allele origin: germline. Affected: yes. Observed: 1 variant allele.

Literature cited by the submitters: PubMed 19574547 (cited by Labcorp Genetics (formerly Invitae), Labcorp); PubMed 27532257 (cited by Labcorp Genetics (formerly Invitae), Labcorp).

NM_000256.3(MYBPC3):c.611_618delinsT (p.Gly204fs)

Gene: MYBPC3 (myosin binding protein C3; minus strand). Cytogenetic location: 11p11.2.
Variant type: Indel.
Coding change: c.611_618delinsT on transcript NM_000256.3 (MANE Select); coding-DNA positions 611 to 618, GCCAGCAC replaced by T.
Protein change: p.Gly204fs; shifts the reading frame from glycine 204.
Molecular consequence: frameshift variant.
Genome position (GRCh38, 1-based): chr11:47,349,810-47,349,817, GTGCTGGC replaced by A on the plus strand (GCCAGCAC replaced by T on the coding strand, the reverse complement: MYBPC3 is on the minus strand). VCF-style: chr11-47349810-GTGCTGGC-A. GRCh37 (hg19) VCF-style: chr11-47371361-GTGCTGGC-A.
Other names: short protein forms G204fs.
Identifiers: ClinVar variation 1997854 (VCV001997854.5), dbSNP rs1420109925, ClinGen allele CA918872431.
Genomic context (GRCh38, chr11:47,349,810, plus strand): 5'-TCTCCACGACCCCGGTGGACCCACCTTGCTGGCGCGGTCGTAGCTGTCGTGCAGCTGCAG[GTGCTGGC>A]CCACCTTGCTGCTCAGGTCCACCCATTTGCCCTTGAACCACTTGACCACAGGCGGCTTCA-3'